The following is an entry in ClinVar:

ClinVar aggregate classification (germline): Pathogenic (1 of 4 stars; one submission).

Conditions:
Werner syndrome (WRN). Identifiers: Orphanet 902, MedGen C0043119, MONDO:0010196, OMIM 277700.

Submission:

Labcorp Genetics (formerly Invitae), Labcorp
Classification: Pathogenic for Werner syndrome. Last evaluated: 2024-04-23. Review status: criteria provided, single submitter. Criteria: Invitae Variant Classification Sherloc (09022015). Collection method: clinical testing. Allele origin: germline.
Comment: This sequence change creates a premature translational stop signal (p.Leu1003Phefs*23) in the WRN gene. It is expected to result in an absent or disrupted protein product. Loss-of-function variants in WRN are known to be pathogenic (PMID: 16673358). This variant is not present in population databases (gnomAD no frequency). This variant has not been reported in the literature in individuals affected with WRN-related conditions. ClinVar contains an entry for this variant (Variation ID: 1455745). For these reasons, this variant has been classified as Pathogenic.

Literature cited by the submitters: PubMed 16673358.

NM_000553.6(WRN):c.3008dup (p.Leu1003fs)

Gene: WRN (WRN RecQ like helicase; plus strand). Cytogenetic location: 8p12.
Variant type: Duplication.
Coding change: c.3008dup on transcript NM_000553.6 (MANE Select); coding-DNA position 3008, one base duplicated (T; older notation c.3008dupT).
Protein change: p.Leu1003fs; shifts the reading frame from leucine 1003.
Molecular consequence: frameshift variant.
Genome position (GRCh38, 1-based): chr8:31,141,470, T duplicated; the last of 3 consecutive T bases (chr8:31,141,468-31,141,470); duplicating any one gives the same sequence. VCF-style (leftmost placement, unchanged base first): chr8-31141467-G-GT. GRCh37 (hg19) VCF-style: chr8-30998983-G-GT.
Other names: short protein forms L1003fs.
Identifiers: ClinVar variation 1455745 (VCV001455745.6), dbSNP rs1802626671, ClinGen allele CA2497475323.